The following is an entry in ClinVar:

ClinVar aggregate classification (germline): Uncertain significance. Review status: criteria provided, multiple submitters, no conflicts (2 of 4 stars). 4 submissions from 4 submitters: Uncertain significance (3). 1 of the submissions does not count toward it. Last evaluated 2025-11-10.

Conditions:
Arterial tortuosity syndrome (ATORS). Identifiers: Orphanet 3342, MedGen C1859726, MONDO:0008818, OMIM 208050.
Familial thoracic aortic aneurysm and aortic dissection (TAAD). Also called: Thoracic aortic aneurysms and dissections. Identifiers: Orphanet 91387, MedGen C4707243, MONDO:0019625.

Allele frequency attached by ClinVar (database versions not stated): gnomAD exomes below 0.00001 and 0.00002; ExAC 0.00001; gnomAD 0.00001; TOPMed 0.00002.
gnomAD v4.1: 14 of 1,614,022 alleles (0.00087%); highest among the groups gnomAD compares: East Asian, 0.0022%; no homozygotes.

Submissions (4):

Ambry Genetics
Classification: Uncertain significance for Familial thoracic aortic aneurysm and aortic dissection. Last evaluated: 2025-11-10. Review status: criteria provided, single submitter. Criteria: Ambry Variant Classification Scheme 2023. Collection method: clinical testing. Allele origin: germline.
Comment: The p.G159C variant (also known as c.475G>T), located in coding exon 2 of the SLC2A10 gene, results from a G to T substitution at nucleotide position 475. The glycine at codon 159 is replaced by cysteine, an amino acid with highly dissimilar properties. This amino acid position is poorly conserved in available vertebrate species. In addition, this alteration is predicted to be tolerated by in silico analysis. Based on the available evidence, the clinical significance of this variant remains unclear.

Labcorp Genetics (formerly Invitae), Labcorp
Classification: Uncertain significance for Arterial tortuosity syndrome. Last evaluated: 2022-11-08. Review status: criteria provided, single submitter. Criteria: Invitae Variant Classification Sherloc (09022015). Collection method: clinical testing. Allele origin: germline.
Comment: This sequence change replaces glycine, which is neutral and non-polar, with cysteine, which is neutral and slightly polar, at codon 159 of the SLC2A10 protein (p.Gly159Cys). This variant is present in population databases (rs761947206, gnomAD 0.006%). This variant has not been reported in the literature in individuals affected with SLC2A10-related conditions. ClinVar contains an entry for this variant (Variation ID: 493323). Advanced modeling of protein sequence and biophysical properties (such as structural, functional, and spatial information, amino acid conservation, physicochemical variation, residue mobility, and thermodynamic stability) performed at Invitae indicates that this missense variant is not expected to disrupt SLC2A10 protein function. In summary, the available evidence is currently insufficient to determine the role of this variant in disease. Therefore, it has been classified as a Variant of Uncertain Significance.

CeGaT Center for Human Genetics Tuebingen
Classification: Uncertain significance. Last evaluated: 2017-07-01. Review status: criteria provided, single submitter. Criteria: CeGaT Center For Human Genetics Tuebingen Variant Classification Criteria Version 2. Collection method: clinical testing. Allele origin: germline. Affected: yes. Observed: 1 variant allele.

Department of Pathology and Laboratory Medicine, Sinai Health System
Classification: Uncertain significance. Review status: no assertion criteria provided. Collection method: clinical testing. Allele origin: unknown. Affected: yes. Study: The Canadian Open Genetics Repository (COGR). Not counted in ClinVar's aggregate classification.

NM_030777.4(SLC2A10):c.475G>T (p.Gly159Cys)

Gene: SLC2A10 (solute carrier family 2 member 10; plus strand). Cytogenetic location: 20q13.12.
Variant type: single nucleotide variant.
Coding change: c.475G>T on transcript NM_030777.4 (MANE Select); coding-DNA position 475, G replaced by T.
Protein change: p.Gly159Cys; replaces glycine 159 with cysteine.
Molecular consequence: missense variant.
Genome position (GRCh38, 1-based): chr20:46,725,511, G>T. VCF-style: chr20-46725511-G-T. GRCh37 (hg19) VCF-style: chr20-45354150-G-T.
Other names: c.475G>T (NM_030777.3); short protein forms G159C.
Identifiers: ClinVar variation 493323 (VCV000493323.48), dbSNP rs761947206, ClinGen allele CA9891980.